The following is an entry in ClinVar:

NM_000204.5(CFI):c.559C>T (p.Arg187Ter)

Gene: CFI (complement factor I; minus strand). Cytogenetic location: 4q25.
Variant type: single nucleotide variant.
Coding change: c.559C>T on transcript NM_000204.5 (MANE Select); coding-DNA position 559, C replaced by T.
Protein change: p.Arg187Ter; replaces arginine 187 with a stop codon.
Molecular consequence: nonsense. On other transcripts: 5 prime UTR variant (1), non-coding transcript variant (3).
Genome position (GRCh38, 1-based): chr4:109,761,616, G>A on the plus strand (C>T on the coding strand, the complement: CFI is on the minus strand). VCF-style: chr4-109761616-G-A. GRCh37 (hg19) VCF-style: chr4-110682772-G-A.
Other names: p.Arg187*; c.559C>T, p.Arg187Ter (NM_001318057.2, NM_001331035.2, NM_001375278.1 and 5 more transcripts); c.-51C>T (NM_001375284.1); c.559C>T (NM_000204.4); short protein forms R187*.
Identifiers: ClinVar variation 631934 (VCV000631934.22), dbSNP rs368615806, ClinGen allele CA3042231.
Genomic context (GRCh38, chr4:109,761,616, plus strand): 5'-GGTAACCCATAGTTCTTCTCTTAGTAAAAGTACATTCAGCCAAACTGGTCTCTAATCCTC[G>A]GCAATGCACATGTAGACATTCAGTGGAATTTATAGAGAGATCAGACAACTTAAACCTTCT-3'

ClinVar aggregate classification (germline): Pathogenic/Likely pathogenic. Review status: criteria provided, multiple submitters, no conflicts (2 of 4 stars). 9 submissions from 9 submitters: Pathogenic (8); Likely pathogenic (1). Last evaluated 2026-04-06.

Conditions:
CFI-related disorder. Also called: CFI-related condition; CFI-related disorders. Identifiers: MedGen CN239325.
Atypical hemolytic-uremic syndrome with I factor anomaly. Also called: HEMOLYTIC UREMIC SYNDROME, ATYPICAL, SUSCEPTIBILITY TO, 3; AHUS, SUSCEPTIBILITY TO, 3. Identifiers: Orphanet 2134, MedGen C2752039, MONDO:0013041, OMIM 612923.
Factor I deficiency (CFID). Also called: Complement factor I deficiency. Identifiers: Orphanet 200418, MedGen C3463916, MONDO:0012594, OMIM 610984.
Age related macular degeneration 13. Identifiers: MedGen C3809523, MONDO:0014189, OMIM 615439.

Allele frequency attached by ClinVar (database versions not stated): gnomAD exomes 0.00001 and 0.00002; ExAC 0.00002; gnomAD 0.00004; TOPMed 0.00007; ESP Exome Variant Server 0.00008.
gnomAD v4.1: 42 of 1,613,470 alleles (0.0026%); highest among the groups gnomAD compares: African/African-American, 0.0094%; no homozygotes.

Submissions (9):

Dasa
Classification: Pathogenic. Last evaluated: 2026-04-06. Review status: criteria provided, single submitter. Criteria: DASA Assertion Criteria. Collection method: clinical testing. Allele origin: germline.
Comment: NM_000204.5(CFI):c.559C>T (p.Arg187*) introduces a premature termination codon predicted to result in loss of normal protein function. Loss-of-function is an established mechanism of disease for this gene. This variant has been recurrently observed in individuals with related phenotype (PMID: 22710145; PMID: 31231365). Segregation evidence has been reported in affected families. The variant is present at low frequency in population datasets. Based on the available data, this variant is classified as pathogenic.

Labcorp Genetics (formerly Invitae), Labcorp
Classification: Pathogenic. Last evaluated: 2025-12-08. Review status: criteria provided, single submitter. Criteria: Invitae Variant Classification Sherloc (09022015). Collection method: clinical testing. Allele origin: germline.
Comment: This sequence change creates a premature translational stop signal (p.Arg187*) in the CFI gene. It is expected to result in an absent or disrupted protein product. Loss-of-function variants in CFI are known to be pathogenic (PMID: 15917334, 16621965, 19065647, 20016463, 22710145). This variant is present in population databases (rs368615806, gnomAD 0.008%). This premature translational stop signal has been observed in individual(s) with autosomal recessive complement factor I deficiency (PMID: 22710145, 31231365). In at least one individual the data is consistent with being in trans (on the opposite chromosome) from a pathogenic variant. It has also been observed to segregate with disease in related individuals. ClinVar contains an entry for this variant (Variation ID: 631934). Algorithms developed to predict the effect of sequence changes on RNA splicing suggest that this variant may disrupt the consensus splice site. For these reasons, this variant has been classified as Pathogenic.

Genomenon, Inc
Classification: Pathogenic for CFI-related disorder. Last evaluated: 2025-09-26. Review status: criteria provided, single submitter. Criteria: Genomenon Sequence Variant Interpretation Standards - Updated. Collection method: curation. Allele origin: germline. Affected: yes.
Comment: CFI p.Arg187Ter (c.559C>T) is a nonsense variant that introduces a premature stop codon at amino acid position 187, creating a truncated protein that is predicted to undergo nonsense-mediated mRNA decay. This variant has been observed in at least one proband affected with a CFI-related disorder (PMID:22710145;30890598;33841858;31231365). It has been observed in trans with a pathogenic/likely pathogenic variant (PMID:22710145). At least one functional study has demonstrated a substantial alteration in protein function relative to the wild-type (PMID:32510551). It is absent or not present at a significant frequency in gnomAD. In conclusion, we classify CFI p.Arg187Ter (c.559C>T) as a pathogenic variant.

Fulgent Genetics
Classification: Pathogenic for Factor I deficiency; Atypical hemolytic-uremic syndrome with I factor anomaly; Age related macular degeneration 13. Last evaluated: 2024-05-20. Review status: criteria provided, single submitter. Criteria: ACMG Guidelines, 2015. Collection method: clinical testing. Allele origin: germline.

Rady Children's Institute for Genomic Medicine, Rady Children's Hospital San Diego
Classification: Pathogenic for CFI-related disorders. Last evaluated: 2024-04-01. Review status: criteria provided, single submitter. Criteria: ACMG Guidelines, 2015. Collection method: clinical testing. Allele origin: germline. Affected: yes.
Comment: This nonsense variant found in exon 4 of 13 is predicted to result in loss of normal protein function through either protein truncation or nonsense-mediated mRNA decay. Loss-of-function variation in CFI is an established mechanism of disease (PMID: 20301541). This variant has been previously reported as compound heterozygous in patients with complement factor I deficiency (PMID: 22710145, 31231365). The c.559C>T (p.Arg187Ter) variant has also been reported as a heterozygous change together with another CFI variant, phase unknown, in a patient with atypical hemolytic uremic syndrome (PMID: 33841858), in a cohort of individuals with atypical hemolytic uremic syndrome (PMID: 30890598) or in association with age-related macular degeneration (PMID: 32510551, 32516404). Functional studies indicate this variant results in significantly reduced expression (PMID: 32510551). The c.559C>T (p.Arg187Ter) variant is present in the heterozygous state in the gnomAD v4 population database at a frequency of 0.003% (42/1613470) and is absent in the homozygous state. Based on the available evidence, c.559C>T (p.Arg187Ter) is classified as Pathogenic.

GeneDx
Classification: Pathogenic. Last evaluated: 2023-08-26. Review status: criteria provided, single submitter. Criteria: GeneDx Variant Classification Process June 2021. Collection method: clinical testing. Allele origin: germline.
Comment: Published functional studies demonstrate a damaging effect of protein expression (PMID: 32510551); Nonsense variant predicted to result in protein truncation or nonsense mediated decay in a gene for which loss of function is a known mechanism of disease; This variant is associated with the following publications: (PMID: 31231365, 33841858, 35090402, 22710145, 32510551)

Mayo Clinic Laboratories, Mayo Clinic
Classification: Pathogenic. Last evaluated: 2022-06-29. Review status: criteria provided, single submitter. Criteria: ACMG Guidelines, 2015. Collection method: clinical testing. Allele origin: germline. Observed: 1 variant allele.
Comment: PP1, PM3, PVS1

Knight Diagnostic Laboratories, Oregon Health and Sciences University
Classification: Pathogenic for Hemolytic uremic syndrome, atypical, susceptibility to, 3. Last evaluated: 2019-11-15. Review status: criteria provided, single submitter. Criteria: ACMG Guidelines, 2015. Collection method: clinical testing. Allele origin: germline. Observed: 1 variant allele.

Illumina Laboratory Services, Illumina
Classification: Likely pathogenic for Atypical hemolytic-uremic syndrome with I factor anomaly. Last evaluated: 2018-12-10. Review status: criteria provided, single submitter. Criteria: ICSL Variant Classification Criteria 09 May 2019. Collection method: clinical testing. Allele origin: germline.
Comment: The CFI c.559C>T (p.Arg187Ter) is a stop-gained variant that is predicted to result in premature truncation of the protein. The p.Arg187Ter variant has been reported in a compound heterozygous state in three individuals from two unrelated families affected with CFI deficiency (Alba-Dominguez et al. 2012). The variant in each of the affected individuals was inherited from an unaffected heterozygous parent. Control data are unavailable for this variant, which is reported at a frequency of 0.000014 in the Total population of the Genome Aggregation Database. Based on the collective evidence and the potential impact of stop-gained variants, the p.Arg187Ter variant is classified as likely pathogenic for CFI-related disorders. This variant was observed by ICSL as part of a predisposition screen in an ostensibly healthy population.

Literature cited by the submitters: PubMed 22710145 (cited by 5 submitters); PubMed 31231365 (cited by 3 submitters); PubMed 15917334 (cited by Labcorp Genetics (formerly Invitae), Labcorp); PubMed 16621965 (cited by Labcorp Genetics (formerly Invitae), Labcorp); PubMed 19065647 (cited by Labcorp Genetics (formerly Invitae), Labcorp); PubMed 20016463 (cited by Labcorp Genetics (formerly Invitae), Labcorp); 30890598 (cited by Genomenon, Inc); 33841858 (cited by Genomenon, Inc); 31231365 (cited by Genomenon, Inc); 32510551 (cited by Genomenon, Inc); PubMed 30890598 (cited by Mayo Clinic Laboratories, Mayo Clinic); PubMed 33841858 (cited by Mayo Clinic Laboratories, Mayo Clinic).